The following is an entry in ClinVar:

ClinVar aggregate classification (germline): Conflicting classifications of pathogenicity. Review status: criteria provided, conflicting classifications (1 of 4 stars). 6 submissions from 6 submitters: Likely pathogenic (1); Uncertain significance (4); Likely benign (1). Last evaluated 2026-07-13.

Conditions:
ABCA4-related disorder. Also called: ABCA4-related condition; ABCA4-related disorders. Identifiers: MedGen CN239167.
Retinal dystrophy. Also called: Inherited retinal dystrophy. Identifiers: Orphanet 71862, MedGen C0854723, MeSH D058499, MONDO:0019118, HP:0000556.

Allele frequency attached by ClinVar (database versions not stated): gnomAD 0.00009 and 0.00011; TOPMed 0.00029; 1000 Genomes Project 30x 0.00031; 1000 Genomes Project 0.00040; ExAC 0.00054; gnomAD exomes 0.00064.
gnomAD v4.1: 249 of 1,614,084 alleles (0.015%); highest among the groups gnomAD compares: Admixed American, 0.23%; 1 homozygote.

Submissions (6):

GeneDx
Classification: Uncertain significance. Last evaluated: 2026-07-13. Review status: criteria provided, single submitter. Criteria: GeneDx Variant Classification Process June 2021. Collection method: clinical testing. Allele origin: germline.
Comment: Identified with other ABCA4 variants in patients in published literature with a broad range of ABCA4-related disorders including Stargardt disease and cone-rod dystrophy, but it is not known whether the variants occurred on the same (in cis) or on different (in trans) alleles (PMID: 26780318, 29555955, 25444351, 31816670, 30060493, 30903310, 31456290, 29925512); In silico analysis supports that this missense variant has a deleterious effect on protein structure/function; This variant is associated with the following publications: (PMID: 35120629, 26780318, 22328824, 25444351, 31816670, Ho2023[Case report], 30060493, 38309476, 29925512, 31456290, 30903310, 29555955, 20029649)

PreventionGenetics, part of Exact Sciences
Classification: Uncertain significance for ABCA4-related condition. Last evaluated: 2026-04-30. Review status: criteria provided, single submitter. Criteria: ACMG Guidelines, 2015. Collection method: clinical testing. Allele origin: germline.
Comment: The ABCA4 c.872C>T variant is predicted to result in the amino acid substitution p.Pro291Leu. This variant has been reported in multiple individuals with Stargardt disease, macular dystrophy, or cone-rod dystrophy (see for example, Table 2, Ernest et al. 2009. PubMed ID: 20029649; Table S1, Birtel et al. 2018. PubMed ID: 29555955; Table 2, Nassisi et al. 2018. PubMed ID: 30060493). This variant is present in 0.38% of alleles, including one homozygote, in individuals of Latino descent in gnomAD, indicating it is relatively common in this population. A study of the frequency of this variant in affected individuals versus the general population has classified this variant as having mild severity (Table S2A, Cornelis et al. 2022. PubMed ID: 35120629). This variant has conflicting classifications in ClinVar, ranging from likely pathogenic to likely benign (Variation ID: 198719). At this time, the clinical significance of this variant is uncertain due to the absence of conclusive functional and genetic evidence.

Labcorp Genetics (formerly Invitae), Labcorp
Classification: Likely benign. Last evaluated: 2025-11-28. Review status: criteria provided, single submitter. Criteria: Invitae Variant Classification Sherloc (09022015). Collection method: clinical testing. Allele origin: germline.

Blueprint Genetics
Classification: Uncertain significance. Last evaluated: 2023-11-23. Review status: criteria provided, single submitter. Criteria: ACMG Guidelines, 2015. Collection method: clinical testing. Allele origin: germline.

Institute of Human Genetics, Univ. Regensburg, Univ. Regensburg
Classification: Likely pathogenic for Retinal dystrophy. Last evaluated: 2021-01-01. Review status: criteria provided, single submitter. Criteria: ACMG Guidelines, 2015. Collection method: clinical testing. Allele origin: germline. Affected: yes.

Eurofins Ntd Llc (ga)
Classification: Uncertain significance. Last evaluated: 2014-08-19. Review status: criteria provided, single submitter. Criteria: EGL Classification Definitions 2015. Collection method: clinical testing. Allele origin: germline. Observed: 1 variant allele, 1 heterozygote.

Literature cited by the submitters: PubMed 20029649 (cited by Institute of Human Genetics, Univ. Regensburg, Univ. Regensburg and Eurofins Ntd Llc (ga)); PubMed 26780318 (cited by Institute of Human Genetics, Univ. Regensburg, Univ. Regensburg); PubMed 29555955 (cited by Institute of Human Genetics, Univ. Regensburg, Univ. Regensburg); PubMed 29925512 (cited by Institute of Human Genetics, Univ. Regensburg, Univ. Regensburg); PubMed 31456290 (cited by Institute of Human Genetics, Univ. Regensburg, Univ. Regensburg); PubMed 31816670 (cited by Institute of Human Genetics, Univ. Regensburg, Univ. Regensburg); PubMed 22328824 (cited by Eurofins Ntd Llc (ga)).

NM_000350.3(ABCA4):c.872C>T (p.Pro291Leu)

Gene: ABCA4 (ATP binding cassette subfamily A member 4; minus strand). Cytogenetic location: 1p22.1.
Variant type: single nucleotide variant.
Coding change: c.872C>T on transcript NM_000350.3 (MANE Select); coding-DNA position 872, C replaced by T.
Protein change: p.Pro291Leu; replaces proline 291 with leucine.
Molecular consequence: missense variant.
Genome position (GRCh38, 1-based): chr1:94,080,705, G>A on the plus strand (C>T on the coding strand, the complement: ABCA4 is on the minus strand). VCF-style: chr1-94080705-G-A. GRCh37 (hg19) VCF-style: chr1-94546261-G-A.
Other names: c.872C>T, p.Pro291Leu (NM_001425324.1); short protein forms P291L.
Identifiers: ClinVar variation 198719 (VCV000198719.27), dbSNP rs190540405, ClinGen allele CA247522.